The following is an entry in ClinVar:

NM_001958.5(EEF1A2):c.353C>T (p.Ala118Val)

Gene: EEF1A2 (eukaryotic translation elongation factor 1 alpha 2; minus strand). Cytogenetic location: 20q13.33.
Variant type: single nucleotide variant.
Coding change: c.353C>T on transcript NM_001958.5 (MANE Select); coding-DNA position 353, C replaced by T.
Protein change: p.Ala118Val; replaces alanine 118 with valine.
Molecular consequence: missense variant.
Genome position (GRCh38, 1-based): chr20:63,495,073, G>A on the plus strand (C>T on the coding strand, the complement: EEF1A2 is on the minus strand). VCF-style: chr20-63495073-G-A. GRCh37 (hg19) VCF-style: chr20-62126426-G-A.
Other names: short protein forms A118V.
Identifiers: ClinVar variation 2163289 (VCV002163289.4), dbSNP rs1368676519, ClinGen allele CA409650427.

ClinVar aggregate classification (germline): Uncertain significance (1 of 4 stars; one submission).

Conditions:
Developmental and epileptic encephalopathy, 33 (DEE33). Also called: Epileptic encephalopathy, early infantile, 33. Identifiers: Orphanet 442835, MedGen C4225337, MONDO:0014625, OMIM 616409.

Allele frequency attached by ClinVar (database versions not stated): gnomAD exomes below 0.00001; TOPMed below 0.00001; gnomAD 0.00001.
gnomAD v4.1: 4 of 1,611,480 alleles (0.00025%); highest among the groups gnomAD compares: Non-Finnish European, 0.00034%; no homozygotes.

Submission:

Labcorp Genetics (formerly Invitae), Labcorp
Classification: Uncertain significance for Developmental and epileptic encephalopathy, 33. Last evaluated: 2024-07-01. Review status: criteria provided, single submitter. Criteria: Invitae Variant Classification Sherloc (09022015). Collection method: clinical testing. Allele origin: germline.
Comment: This sequence change replaces alanine, which is neutral and non-polar, with valine, which is neutral and non-polar, at codon 118 of the EEF1A2 protein (p.Ala118Val). This variant is not present in population databases (gnomAD no frequency). This variant has not been reported in the literature in individuals affected with EEF1A2-related conditions. ClinVar contains an entry for this variant (Variation ID: 2163289). Advanced modeling of protein sequence and biophysical properties (such as structural, functional, and spatial information, amino acid conservation, physicochemical variation, residue mobility, and thermodynamic stability) performed at Invitae indicates that this missense variant is not expected to disrupt EEF1A2 protein function with a negative predictive value of 80%. In summary, the available evidence is currently insufficient to determine the role of this variant in disease. Therefore, it has been classified as a Variant of Uncertain Significance.